The following is an entry in ClinVar:

ClinVar aggregate classification (germline): Pathogenic. Review status: criteria provided, multiple submitters, no conflicts (2 of 4 stars). 2 submissions from 2 submitters: Pathogenic (2). Last evaluated 2021-03-26.

Conditions:
Tuberous sclerosis 1 (TSC1). Identifiers: Orphanet 805, MedGen C1854465, MONDO:0008612, OMIM 191100.

Submissions (2):

Labcorp Genetics (formerly Invitae), Labcorp
Classification: Pathogenic for Tuberous sclerosis 1. Last evaluated: 2021-03-26. Review status: criteria provided, single submitter. Criteria: Invitae Variant Classification Sherloc (09022015). Collection method: clinical testing. Allele origin: germline.
Comment: This variant is not present in population databases (ExAC no frequency). This sequence change affects an acceptor splice site in intron 19 of the TSC1 gene. It is expected to disrupt RNA splicing. Variants that disrupt the donor or acceptor splice site typically lead to a loss of protein function (PMID: 16199547), and loss-of-function variants in TSC1 are known to be pathogenic (PMID: 10227394, 17304050). Disruption of this splice site has been observed in individual(s) with tuberous sclerosis complex (PMID: 10942116, 10533067). This variant is also known as 2724-1G>C. For these reasons, this variant has been classified as Pathogenic. Algorithms developed to predict the effect of sequence changes on RNA splicing suggest that this variant may disrupt the consensus splice site, but this prediction has not been confirmed by published transcriptional studies.

Institute of Human Genetics, University of Leipzig Medical Center
Classification: Pathogenic for Tuberous sclerosis 1. Last evaluated: 2021-02-02. Review status: criteria provided, single submitter. Criteria: ACMG Guidelines, 2015. Collection method: clinical testing. Allele origin: unknown. Affected: yes.

Literature cited by the submitters: PubMed 16199547 (cited by Labcorp Genetics (formerly Invitae), Labcorp); PubMed 10227394 (cited by Labcorp Genetics (formerly Invitae), Labcorp); PubMed 17304050 (cited by Labcorp Genetics (formerly Invitae), Labcorp); PubMed 10942116 (cited by Labcorp Genetics (formerly Invitae), Labcorp); PubMed 10533067 (cited by Labcorp Genetics (formerly Invitae), Labcorp).

NM_000368.5(TSC1):c.2503-1G>C

Gene: TSC1 (TSC complex subunit 1; minus strand). Cytogenetic location: 9q34.13.
Variant type: single nucleotide variant.
Coding change: c.2503-1G>C on transcript NM_000368.5 (MANE Select); the canonical splice acceptor site of the intron before coding-DNA position 2503, G replaced by C.
Molecular consequence: splice acceptor variant.
Genome position (GRCh38, 1-based): chr9:132,900,838, C>G on the plus strand (G>C on the coding strand, the complement: TSC1 is on the minus strand). VCF-style: chr9-132900838-C-G. GRCh37 (hg19) VCF-style: chr9-135776225-C-G.
Other names: c.2137-1G>C (NM_001406620.1, NM_001406621.1, NM_001406622.1 and 1 more transcripts); c.2140-1G>C (NM_001406618.1, NM_001406617.1, NM_001406619.1 and 4 more transcripts); c.2095-1G>C (NM_001406625.1); c.2305-1G>C (NM_001406613.1); c.2347-1G>C (NM_001406612.1, NM_001406611.1); c.2350-1G>C (NM_001406610.1, NM_001162427.2); c.1549-1G>C (NM_001406627.1, NM_001406628.1); c.1450-1G>C (NM_001406629.1, NM_001406630.1); and 8 more.
Identifiers: ClinVar variation 1285507 (VCV001285507.9), dbSNP rs118203705, ClinGen allele CA375370376.